The following is an entry in ClinVar:

ClinVar aggregate classification (germline): Uncertain significance (1 of 4 stars; one submission).

Allele frequency attached by ClinVar (database versions not stated): gnomAD exomes below 0.00001; ExAC 0.00003.
gnomAD v4.1: 7 of 1,530,876 alleles (0.00046%); highest among the groups gnomAD compares: South Asian, 0.0056%; no homozygotes.

Submission:

Labcorp Genetics (formerly Invitae), Labcorp
Classification: Uncertain significance. Last evaluated: 2022-09-13. Review status: criteria provided, single submitter. Criteria: Invitae Variant Classification Sherloc (09022015). Collection method: clinical testing. Allele origin: germline.
Comment: This sequence change falls in intron 14 of the SI gene. It does not directly change the encoded amino acid sequence of the SI protein. It affects a nucleotide within the consensus splice site. This variant is present in population databases (rs752411365, gnomAD 0.01%). This variant has not been reported in the literature in individuals affected with SI-related conditions. Variants that disrupt the consensus splice site are a relatively common cause of aberrant splicing (PMID: 17576681, 9536098). Algorithms developed to predict the effect of sequence changes on RNA splicing suggest that this variant may disrupt the consensus splice site. In summary, the available evidence is currently insufficient to determine the role of this variant in disease. Therefore, it has been classified as a Variant of Uncertain Significance.

Literature cited by the submitters: PubMed 17576681; PubMed 9536098.

NM_001041.4(SI):c.1597+4A>G

Gene: SI (sucrase-isomaltase; minus strand). Cytogenetic location: 3q26.1.
Variant type: single nucleotide variant.
Coding change: c.1597+4A>G on transcript NM_001041.4 (MANE Select); 4 bases into the intron after coding-DNA position 1597, A replaced by G.
Molecular consequence: intron variant.
Genome position (GRCh38, 1-based): chr3:165,049,787, T>C on the plus strand (A>G on the coding strand, the complement: SI is on the minus strand). VCF-style: chr3-165049787-T-C. GRCh37 (hg19) VCF-style: chr3-164767575-T-C.
Identifiers: ClinVar variation 1917392 (VCV001917392.2), dbSNP rs752411365, ClinGen allele CA2691015.